The following is an entry in ClinVar:

ClinVar aggregate classification (germline): Likely benign (1 of 4 stars; one submission).

Allele frequency attached by ClinVar (database versions not stated): TOPMed 0.00006.
gnomAD v4.1: 138 of 1,613,740 alleles (0.0086%); highest among the groups gnomAD compares: Non-Finnish European, 0.011%; no homozygotes.

Submission:

CeGaT Center for Human Genetics Tuebingen
Classification: Likely benign. Last evaluated: 2023-01-01. Review status: criteria provided, single submitter. Criteria: CeGaT Center For Human Genetics Tuebingen Variant Classification Criteria Version 2. Collection method: clinical testing. Allele origin: germline. Affected: yes. Observed: 1 variant allele.
Comment: XKR3: BP4, BP7

NM_001386955.1(XKR3):c.1278C>T (p.Ile426=)

Gene: XKR3 (XK related 3; minus strand). Cytogenetic location: 22q11.1.
Variant type: single nucleotide variant.
Coding change: c.1278C>T on transcript NM_001386955.1 (MANE Select); coding-DNA position 1278, C replaced by T.
Protein change: p.Ile426=; no amino-acid change (isoleucine 426 retained).
Molecular consequence: synonymous variant.
Genome position (GRCh38, 1-based): chr22:16,783,721, G>A on the plus strand (C>T on the coding strand, the complement: XKR3 is on the minus strand). VCF-style: chr22-16783721-G-A. GRCh37 (hg19) VCF-style: chr22-17264611-G-A.
Other names: c.1278C>T, p.Ile426= (NM_001318251.3, NM_001386956.1, NM_001386957.1 and 1 more transcripts).
Identifiers: ClinVar variation 2652840 (VCV002652840.24), dbSNP rs369023143, ClinGen allele CA321600865.
Genomic context (GRCh38, chr22:16,783,721, plus strand): 5'-CCTATTGCAGGAGTGACAGTAATTCCTCAGCTGCTTATTTTTATTCTTTTCAGTTTTCTC[G>A]ATGTTTACATAATAGTACGGTGCTTCTGGCTGATTTTCAGTACGTCCTGGCAACACTTTG-3'
Protein context (NP_001373884.1, residues 416-436): QPEAPYYYVN[Ile426=]EKTEKNKNKQ